The following is an entry in ClinVar:

ClinVar aggregate classification (germline): Conflicting classifications of pathogenicity. Review status: criteria provided, conflicting classifications (1 of 4 stars). 2 submissions from 2 submitters: Uncertain significance (1); Likely benign (1). Last evaluated 2025-06-17.

Conditions:
Fanconi anemia (FA). Also called: Fanconi's anemia. Identifiers: Orphanet 84, MedGen C0015625, MeSH D005199, MONDO:0019391.
Inborn genetic diseases. Identifiers: MedGen C0950123, MeSH D030342.

Allele frequency attached by ClinVar (database versions not stated): TOPMed 0.00002.
gnomAD v4.1: 10 of 1,507,742 alleles (0.00066%); highest among the groups gnomAD compares: African/African-American, 0.0014%; no homozygotes.

Submissions (2):

Labcorp Genetics (formerly Invitae), Labcorp
Classification: Likely benign for Fanconi anemia. Last evaluated: 2025-06-17. Review status: criteria provided, single submitter. Criteria: Invitae Variant Classification Sherloc (09022015). Collection method: clinical testing. Allele origin: germline.

Ambry Genetics
Classification: Uncertain significance for Inborn genetic diseases. Last evaluated: 2024-12-22. Review status: criteria provided, single submitter. Criteria: Ambry Variant Classification Scheme 2023. Collection method: clinical testing. Allele origin: germline.
Comment: The p.A23G variant (also known as c.68C>G), located in coding exon 1 of the FANCA gene, results from a C to G substitution at nucleotide position 68. The alanine at codon 23 is replaced by glycine, an amino acid with similar properties. This amino acid position is conserved. In addition, this alteration is predicted to be tolerated by in silico analysis. Based on the available evidence, the clinical significance of this variant remains unclear.

NM_000135.4(FANCA):c.68C>G (p.Ala23Gly)

Genes: FANCA (FA complementation group A; minus strand), LOC112486223 (Sharpr-MPRA regulatory region 3988; plus strand). Cytogenetic location: 16q24.3.
Variant type: single nucleotide variant.
Coding change: c.68C>G on transcript NM_000135.4 (MANE Select); coding-DNA position 68, C replaced by G.
Protein change: p.Ala23Gly; replaces alanine 23 with glycine.
Molecular consequence: missense variant.
Genome position (GRCh38, 1-based): chr16:89,816,548, G>C on the plus strand (C>G on the coding strand, the complement: FANCA is on the minus strand). VCF-style: chr16-89816548-G-C. GRCh37 (hg19) VCF-style: chr16-89882956-G-C.
Other names: c.68C>G, p.Ala23Gly (NM_001018112.3, NM_001286167.3, NM_001351830.2); short protein forms A23G.
Identifiers: ClinVar variation 856825 (VCV000856825.11), dbSNP rs776297241, ClinGen allele CA397484412.